The following is an entry in ClinVar:

NM_001128840.3(CACNA1D):c.6383A>G (p.Tyr2128Cys)

Gene: CACNA1D (calcium voltage-gated channel subunit alpha1 D; plus strand). Cytogenetic location: 3p21.1.
Variant type: single nucleotide variant.
Coding change: c.6383A>G on transcript NM_001128840.3 (MANE Select); coding-DNA position 6383, A replaced by G.
Protein change: p.Tyr2128Cys; replaces tyrosine 2128 with cysteine.
Molecular consequence: missense variant.
Genome position (GRCh38, 1-based): chr3:53,811,303, A>G. VCF-style: chr3-53811303-A-G. GRCh37 (hg19) VCF-style: chr3-53845330-A-G.
Other names: c.6443A>G, p.Tyr2148Cys (NM_000720.4); c.6311A>G, p.Tyr2104Cys (NM_001128839.3); short protein forms Y2148C, Y2104C, Y2128C.
Identifiers: ClinVar variation 3000075 (VCV003000075.3), dbSNP rs780793573, ClinGen allele CA2455440.

ClinVar aggregate classification (germline): Uncertain significance (1 of 4 stars; one submission).

Allele frequency attached by ClinVar (database versions not stated): gnomAD 0.00001; gnomAD exomes below 0.00001; TOPMed below 0.00001; ExAC 0.00001.
gnomAD v4.1: 7 of 1,613,556 alleles (0.00043%); highest among the groups gnomAD compares: Non-Finnish European, 0.00059%; no homozygotes.

Submission:

Labcorp Genetics (formerly Invitae), Labcorp
Classification: Uncertain significance. Last evaluated: 2026-01-08. Review status: criteria provided, single submitter. Criteria: Invitae Variant Classification Sherloc (09022015). Collection method: clinical testing. Allele origin: germline.
Comment: This sequence change replaces tyrosine, which is neutral and polar, with cysteine, which is neutral and slightly polar, at codon 2148 of the CACNA1D protein (p.Tyr2148Cys). This variant is present in population databases (rs780793573, gnomAD 0.003%). This variant has not been reported in the literature in individuals affected with CACNA1D-related conditions. ClinVar contains an entry for this variant (Variation ID: 3000075). An algorithm developed to predict the effect of missense changes on protein structure and function outputs the following: PolyPhen-2: "Benign". The cysteine amino acid residue is found in multiple mammalian species, which suggests that this missense change does not adversely affect protein function. In summary, the available evidence is currently insufficient to determine the role of this variant in disease. Therefore, it has been classified as a Variant of Uncertain Significance.